The following is an entry in ClinVar:

NM_001384140.1(PCDH15):c.4672-13TTTAT[3]

Gene: PCDH15 (protocadherin related 15; minus strand). Cytogenetic location: 10q21.1.
Variant type: Microsatellite.
Coding change: c.4672-13TTTAT[3] on transcript NM_001384140.1 (MANE Select); three copies in a row of the 5-base unit TTTAT starting at c.4672-13; the reference has two copies in a row; one copy, 5 bases duplicated.
Molecular consequence: intron variant.
Genome position (GRCh38, 1-based): chr10:53,807,134-53,807,138, ATAAA duplicated on the plus strand (TTTAT on the coding strand, the reverse complement: PCDH15 is on the minus strand); duplicating any 5 consecutive bases within chr10:53,807,134-53,807,143 gives the same sequence; the position shown is the placement nearest the transcript's 3' end. VCF-style (leftmost placement, unchanged base first): chr10-53807133-G-GATAAA. GRCh37 (hg19) VCF-style: chr10-55566893-G-GATAAA.
Other names: c.4477-13TTTAT[3] (NM_001354420.2); c.4606-13TTTAT[3] (NM_001354429.2); c.4483-13TTTAT[3] (NM_001142772.2); c.4498-13TTTAT[3] (NM_001142771.2).
Identifiers: ClinVar variation 4979858 (VCV004979858.1).

ClinVar aggregate classification (germline): Likely benign (1 of 4 stars; one submission).

Conditions:
PCDH15-related disorder. Also called: PCDH15-related condition; PCDH15-related disorders.

Submission:

PreventionGenetics, part of Exact Sciences
Classification: Likely benign for PCDH15-related condition. Last evaluated: 2025-07-24. Review status: criteria provided, single submitter. Criteria: ACMG Guidelines, 2015. Collection method: clinical testing. Allele origin: germline.
Comment: This variant is classified as likely benign based on ACMG/AMP sequence variant interpretation guidelines (Richards et al. 2015 PMID: 25741868, with internal and published modifications).